The following is an entry in ClinVar:

ClinVar aggregate classification (germline): Conflicting classifications of pathogenicity. Review status: criteria provided, conflicting classifications (1 of 4 stars). 3 submissions from 3 submitters: Uncertain significance (1); Likely benign (1). 1 of the submissions does not count toward it. Last evaluated 2025-11-10.

Conditions:
Inborn genetic diseases. Identifiers: MedGen C0950123, MeSH D030342.
NIPBL-related disorder. Also called: NIPBL-related condition.
Cornelia de Lange syndrome 1 (CDLS1). Also called: TYPUS DEGENERATIVUS AMSTELODAMENSIS; Brachmann de Lange syndrome; NIPBL-Related Cornelia de Lange Syndrome. Identifiers: Orphanet 199, MedGen C4551851, MONDO:0007387, OMIM 122470.

Submissions (3):

Labcorp Genetics (formerly Invitae), Labcorp
Classification: Uncertain significance for Cornelia de Lange syndrome 1. Last evaluated: 2025-11-10. Review status: criteria provided, single submitter. Criteria: Invitae Variant Classification Sherloc (09022015). Collection method: clinical testing. Allele origin: germline.
Comment: This variant, c.1753_1755del, results in the deletion of 1 amino acid(s) of the NIPBL protein (p.Ile585del), but otherwise preserves the integrity of the reading frame. This variant is present in population databases (rs776403850, gnomAD 0.07%), and has an allele count higher than expected for a pathogenic variant. This variant has not been reported in the literature in individuals affected with NIPBL-related conditions. ClinVar contains an entry for this variant (Variation ID: 2151447). Experimental studies and prediction algorithms are not available or were not evaluated, and the functional significance of this variant is currently unknown. In summary, the available evidence is currently insufficient to determine the role of this variant in disease. Therefore, it has been classified as a Variant of Uncertain Significance.

Ambry Genetics
Classification: Likely benign for Inborn genetic diseases. Last evaluated: 2021-05-20. Review status: criteria provided, single submitter. Criteria: Ambry Variant Classification Scheme 2023. Collection method: clinical testing. Allele origin: germline.

PreventionGenetics, part of Exact Sciences
Classification: Likely benign for NIPBL-related condition. Last evaluated: 2022-08-15. Review status: no assertion criteria provided. Collection method: clinical testing. Allele origin: germline. Not counted in ClinVar's aggregate classification.
Comment: This variant is classified as likely benign based on ACMG/AMP sequence variant interpretation guidelines (Richards et al. 2015 PMID: 25741868, with internal and published modifications).

NM_133433.4(NIPBL):c.1753_1755del (p.Ile585del)

Gene: NIPBL (NIPBL cohesin loading factor; plus strand). Cytogenetic location: 5p13.2.
Variant type: Deletion.
Coding change: c.1753_1755del on transcript NM_133433.4 (MANE Select); coding-DNA positions 1753 to 1755, 3 bases deleted (ATT; older notation c.1753_1755delATT).
Protein change: p.Ile585del; deletes isoleucine 585.
Molecular consequence: inframe deletion.
Genome position (GRCh38, 1-based): chr5:36,984,933-36,984,935, ATT deleted; deleting any 3 consecutive bases within chr5:36,984,932-36,984,935 gives the same sequence; the c. name uses the placement nearest the transcript's 3' end. VCF-style (leftmost placement, unchanged base first): chr5-36984931-ATAT-A. GRCh37 (hg19) VCF-style: chr5-36985033-ATAT-A.
Other names: c.1753_1755delATT (NM_133433.3); c.1753_1755del, p.Ile585del (NM_015384.5); short protein forms I585del.
Identifiers: ClinVar variation 2151447 (VCV002151447.7), dbSNP rs776403850, ClinGen allele CA3236082.